The following is an entry in ClinVar:

NM_001367624.2(ZNF469):c.7494C>A (p.His2498Gln)

Gene: ZNF469 (zinc finger protein 469; plus strand). Cytogenetic location: 16q24.2.
Variant type: single nucleotide variant.
Coding change: c.7494C>A on transcript NM_001367624.2 (MANE Select); coding-DNA position 7494, C replaced by A.
Protein change: p.His2498Gln; replaces histidine 2498 with glutamine.
Molecular consequence: missense variant.
Genome position (GRCh38, 1-based): chr16:88,434,964, C>A. VCF-style: chr16-88434964-C-A. GRCh37 (hg19) VCF-style: chr16-88501372-C-A.
Other names: short protein forms H2498Q.
Identifiers: ClinVar variation 2005896 (VCV002005896.4), dbSNP rs2507596656, ClinGen allele CA397112783.

ClinVar aggregate classification (germline): Uncertain significance (1 of 4 stars; one submission).

Submission:

Labcorp Genetics (formerly Invitae), Labcorp
Classification: Uncertain significance. Last evaluated: 2022-10-17. Review status: criteria provided, single submitter. Criteria: Invitae Variant Classification Sherloc (09022015). Collection method: clinical testing. Allele origin: germline.
Comment: In summary, the available evidence is currently insufficient to determine the role of this variant in disease. Therefore, it has been classified as a Variant of Uncertain Significance. Algorithms developed to predict the effect of missense changes on protein structure and function output the following: SIFT: "Tolerated"; PolyPhen-2: "Benign"; Align-GVGD: "Class C0". The glutamine amino acid residue is found in multiple mammalian species, which suggests that this missense change does not adversely affect protein function. This variant has not been reported in the literature in individuals affected with ZNF469-related conditions. This variant is not present in population databases (gnomAD no frequency). This sequence change replaces histidine, which is basic and polar, with glutamine, which is neutral and polar, at codon 2470 of the ZNF469 protein (p.His2470Gln).